The following is an entry in ClinVar:

ClinVar aggregate classification (germline): Likely benign (1 of 4 stars; one submission).

Conditions:
Arrhythmogenic cardiomyopathy with wooly hair and keratoderma. Also called: Carvajal syndrome; PALMOPLANTAR KERATODERMA WITH LEFT VENTRICULAR CARDIOMYOPATHY AND WOOLLY HAIR; Dilated cardiomyopathy with woolly hair and keratoderma; Arrhythmogenic cardiomyopathy with woolly hair and keratoderma. Identifiers: Orphanet 65282, MedGen C1854063, MONDO:0011581, OMIM 605676.

gnomAD v4.1: 5 of 1,614,122 alleles (0.00031%); highest among the groups gnomAD compares: Non-Finnish European, 0.00042%; no homozygotes.

Submission:

All of Us Research Program, National Institutes of Health
Classification: Likely benign for Arrhythmogenic cardiomyopathy with wooly hair and keratoderma. Last evaluated: 2024-06-09. Review status: criteria provided, single submitter. Criteria: ACMG Guidelines, 2015. Collection method: clinical testing. Allele origin: germline. Inheritance: Autosomal dominant inheritance. Observed: 1 variant allele, 1 heterozygote.
Comment: This study involves interpretation of variants in research participants for the purpose of population health screening. Participant phenotype was not available at the time of variant classification. Additional details can be found in publication PMID: 35346344, PMCID: PMC8962531

NM_004415.4(DSP):c.2151A>G (p.Gln717=)

Gene: DSP (desmoplakin; plus strand). Cytogenetic location: 6p24.3.
Variant type: single nucleotide variant.
Coding change: c.2151A>G on transcript NM_004415.4 (MANE Select); coding-DNA position 2151, A replaced by G.
Protein change: p.Gln717=; no amino-acid change (glutamine 717 retained).
Molecular consequence: synonymous variant.
Genome position (GRCh38, 1-based): chr6:7,574,106, A>G. VCF-style: chr6-7574106-A-G. GRCh37 (hg19) VCF-style: chr6-7574339-A-G.
Other names: c.2151A>G, p.Gln717= (NM_001008844.3, NM_001319034.2).
Identifiers: ClinVar variation 3386639 (VCV003386639.1).
Genomic context (GRCh38, chr6:7,574,106, plus strand): 5'-AATCAGCTAAATCAAAAGAGCTTTCCTTCATTTTTGACAGAGTGTGCAGAATGATTCACA[A>G]GCAATTGCTGAGGTTCTCAACCAGCTTAAAGATATGCTTGCCAACTTCAGAGGTTCTGAA-3'
Protein context (NP_004406.2, residues 707-727): NELKSVQNDS[Gln717=]AIAEVLNQLK